The following is an entry in ClinVar:

ClinVar aggregate classification (germline): Pathogenic (1 of 4 stars; one submission).

Submission:

Labcorp Genetics (formerly Invitae), Labcorp
Classification: Pathogenic. Last evaluated: 2023-01-12. Review status: criteria provided, single submitter. Criteria: Invitae Variant Classification Sherloc (09022015). Collection method: clinical testing. Allele origin: germline.
Comment: This sequence change creates a premature translational stop signal (p.Glu703Glyfs*6) in the FNIP1 gene. It is expected to result in an absent or disrupted protein product. Loss-of-function variants in FNIP1 are known to be pathogenic (PMID: 32181500, 32905580). This variant is not present in population databases (gnomAD no frequency). This variant has not been reported in the literature in individuals affected with FNIP1-related conditions. For these reasons, this variant has been classified as Pathogenic.

Literature cited by the submitters: PubMed 32181500; PubMed 32905580.

NM_133372.3(FNIP1):c.2108_2109del (p.Glu703fs)

Gene: FNIP1 (folliculin interacting protein 1; minus strand). Cytogenetic location: 5q31.1.
Variant type: Microsatellite.
Coding change: c.2108_2109del on transcript NM_133372.3 (MANE Select); coding-DNA positions 2108 to 2109, 2 bases deleted (AG; older notation c.2108_2109delAG).
Protein change: p.Glu703fs; shifts the reading frame from glutamic acid 703.
Molecular consequence: frameshift variant.
Genome position (GRCh38, 1-based): chr5:131,672,335-131,672,336, CT deleted on the plus strand (AG on the coding strand, the reverse complement: FNIP1 is on the minus strand); deleting any 2 consecutive bases within chr5:131,672,335-131,672,338 gives the same sequence; the c. name uses the placement nearest the transcript's 3' end. VCF-style (leftmost placement, unchanged base first): chr5-131672334-CCT-C. GRCh37 (hg19) VCF-style: chr5-131008027-CCT-C.
Other names: c.2024_2025del, p.Glu675fs (NM_001008738.3); c.1973_1974del, p.Glu658fs (NM_001346114.2); short protein forms E658fs, E675fs, E703fs.
Identifiers: ClinVar variation 2804561 (VCV002804561.3), dbSNP rs2532127475, ClinGen allele CA2739275017.
Genomic context (GRCh38, chr5:131,672,334, plus strand): 5'-ATCTCATTGCTTTGCCTGTGTGACTGTCTGAATCCAGCAACTTCTCACTCTGCCATGTTT[CCT>C]CTGTTGACTCTAAGCCTGACTCTGACAATGCACATTTGTCTACTGGAACAGATCCTGTGC-3'